The following is an entry in ClinVar:

NM_032444.4(SLX4):c.446del (p.Asp149fs)

Gene: SLX4 (SLX4 structure-specific endonuclease subunit; minus strand). Cytogenetic location: 16p13.3.
Variant type: Deletion.
Coding change: c.446del on transcript NM_032444.4 (MANE Select); coding-DNA position 446, one base deleted (A; older notation c.446delA).
Protein change: p.Asp149fs; shifts the reading frame from aspartic acid 149.
Molecular consequence: frameshift variant.
Genome position (GRCh38, 1-based): chr16:3,608,519, T deleted on the plus strand (A on the coding strand, the reverse complement: SLX4 is on the minus strand). VCF-style (leftmost placement, unchanged base first): chr16-3608518-AT-A. GRCh37 (hg19) VCF-style: chr16-3658519-AT-A.
Other names: short protein forms D149fs.
Identifiers: ClinVar variation 4716173 (VCV004716173.1).

ClinVar aggregate classification (germline): Pathogenic (1 of 4 stars; one submission).

Conditions:
Fanconi anemia (FA). Also called: Fanconi's anemia. Identifiers: Orphanet 84, MedGen C0015625, MeSH D005199, MONDO:0019391.

Submission:

Labcorp Genetics (formerly Invitae), Labcorp
Classification: Pathogenic for Fanconi anemia. Last evaluated: 2025-08-29. Review status: criteria provided, single submitter. Criteria: Invitae Variant Classification Sherloc (09022015). Collection method: clinical testing. Allele origin: germline.
Comment: This sequence change creates a premature translational stop signal (p.Asp149Valfs*45) in the SLX4 gene. It is expected to result in an absent or disrupted protein product. Loss-of-function variants in SLX4 are known to be pathogenic (PMID: 21240277). This variant is not present in population databases (gnomAD no frequency). This variant has not been reported in the literature in individuals affected with SLX4-related conditions. For these reasons, this variant has been classified as Pathogenic.

Literature cited by the submitters: PubMed 21240277.